The following is an entry in ClinVar:

NM_005908.4(MANBA):c.961G>T (p.Val321Phe)

Gene: MANBA (mannosidase beta; minus strand). Cytogenetic location: 4q24.
Variant type: single nucleotide variant.
Coding change: c.961G>T on transcript NM_005908.4 (MANE Select); coding-DNA position 961, G replaced by T.
Protein change: p.Val321Phe; replaces valine 321 with phenylalanine.
Molecular consequence: missense variant.
Genome position (GRCh38, 1-based): chr4:102,674,070, C>A on the plus strand (G>T on the coding strand, the complement: MANBA is on the minus strand). VCF-style: chr4-102674070-C-A. GRCh37 (hg19) VCF-style: chr4-103595227-C-A.
Other names: short protein forms V321F.
Identifiers: ClinVar variation 715393 (VCV000715393.13), dbSNP rs145367849, ClinGen allele CA3027047.

ClinVar aggregate classification (germline): Conflicting classifications of pathogenicity. Review status: criteria provided, conflicting classifications (1 of 4 stars). 5 submissions from 5 submitters: Uncertain significance (2); Likely benign (2). 1 of the submissions does not count toward it. Last evaluated 2026-01-25.

Conditions:
MANBA-related disorder. Also called: MANBA-related condition.
Inborn genetic diseases. Identifiers: MedGen C0950123, MeSH D030342.
Beta-D-mannosidosis (MANSB). Also called: MANNOSIDOSIS, BETA A, LYSOSOMAL; BETA-MANNOSIDASE DEFICIENCY; Beta-Mannosidosis; LYSOSOMAL BETA-MANNOSIDASE DEFICIENCY. Identifiers: Orphanet 118, MedGen C4048196, MONDO:0009562, OMIM 248510.

Allele frequency attached by ClinVar (database versions not stated): ESP Exome Variant Server 0.00093; TOPMed 0.00094; gnomAD 0.00104 and 0.00106; 1000 Genomes Project 30x 0.00125; 1000 Genomes Project 0.00140.
gnomAD v4.1: 290 of 1,595,272 alleles (0.018%); highest among the groups gnomAD compares: African/African-American, 0.36%; 1 homozygote.

Submissions (7):

Labcorp Genetics (formerly Invitae), Labcorp
Classification: Likely benign for Beta-D-mannosidosis. Last evaluated: 2026-01-25. Review status: criteria provided, single submitter. Criteria: Invitae Variant Classification Sherloc (09022015). Collection method: clinical testing. Allele origin: germline.

GeneDx
Classification: Uncertain significance. Last evaluated: 2025-07-03. Review status: criteria provided, single submitter. Criteria: GeneDx Variant Classification Process June 2021. Collection method: clinical testing. Allele origin: germline. Affected: yes.
Comment: In silico analysis supports that this missense variant has a deleterious effect on protein structure/function; Has not been previously published as pathogenic or benign to our knowledge

Blueprint Genetics
Classification: Uncertain significance. Last evaluated: 2023-12-29. Review status: criteria provided, single submitter. Criteria: ACMG Guidelines, 2015. Collection method: clinical testing. Allele origin: germline.

Ambry Genetics
Classification: Likely benign for Inborn genetic diseases. Last evaluated: 2023-08-15. Review status: criteria provided, single submitter. Criteria: Ambry Variant Classification Scheme 2023. Collection method: clinical testing. Allele origin: germline.

PreventionGenetics, part of Exact Sciences
Classification: Likely benign for MANBA-related condition. Last evaluated: 2024-02-26. Review status: no assertion criteria provided. Collection method: clinical testing. Allele origin: germline. Not counted in ClinVar's aggregate classification.
Comment: This variant is classified as likely benign based on ACMG/AMP sequence variant interpretation guidelines (Richards et al. 2015 PMID: 25741868, with internal and published modifications).

Dr. Peter K. Rogan Lab, Western University
No classification provided (evidence only). Condition: Sarcoma. Review status: no classification provided. Collection method: in vitro. Allele origin: not applicable. Functional consequence: retained intron. Not counted in ClinVar's aggregate classification.

Dr. Peter K. Rogan Lab, Western University
No classification provided (evidence only). Condition: Thymoma. Review status: no classification provided. Collection method: in vitro. Allele origin: not applicable. Functional consequence: retained intron. Not counted in ClinVar's aggregate classification.